The following is an entry in ClinVar:

ClinVar aggregate classification (germline): Likely pathogenic (1 of 4 stars; one submission).

Conditions:
Neurodevelopmental disorder with hypotonia, stereotypic hand movements, and impaired language. Also called: Intellectual disability, autosomal dominant 20. Identifiers: Orphanet 228384, Orphanet 664410, MedGen C3150700, MONDO:0013266, OMIM 613443.

Submission:

3billion
Classification: Likely pathogenic for Neurodevelopmental disorder with hypotonia, stereotypic hand movements, and impaired language. Last evaluated: 2023-08-01. Review status: criteria provided, single submitter. Criteria: ACMG Guidelines, 2015. Collection method: clinical testing. Allele origin: germline. Affected: yes.
Comment: The variant is not observed in the gnomAD v2.1.1 dataset. Predicted Consequence/Location: Canonical splice site: predicted to alter splicing and result in a loss or disruption of normal protein function. Multiple pathogenic loss-of-function variants are reported downstream of the variant. Therefore, this variant is classified as Likely pathogenic according to the recommendation of ACMG/AMP guideline.

NM_002397.5(MEF2C):c.810+2T>A

Gene: MEF2C (myocyte enhancer factor 2C; minus strand). Cytogenetic location: 5q14.3.
Variant type: single nucleotide variant.
Coding change: c.810+2T>A on transcript NM_002397.5 (MANE Select); the canonical splice donor site of the intron after coding-DNA position 810, T replaced by A.
Molecular consequence: splice donor variant.
Genome position (GRCh38, 1-based): chr5:88,731,727, A>T on the plus strand (T>A on the coding strand, the complement: MEF2C is on the minus strand). VCF-style: chr5-88731727-A-T. GRCh37 (hg19) VCF-style: chr5-88027544-A-T.
Other names: c.810+2T>A (NM_001364329.2, NM_001364330.2, NM_001364333.2 and 18 more transcripts); c.666+2T>A (NM_001364344.2, NM_001364354.2, NM_001364332.2 and 3 more transcripts); c.432+2T>A (NM_001364353.2, NM_001364356.2); c.804+2T>A (NM_001131005.2, NM_001364352.2, NM_001364343.2); c.864+2T>A (NM_001193347.1, NM_001364338.2); c.384+2T>A (NM_001364357.2).
Identifiers: ClinVar variation 3775230 (VCV003775230.1).